The following is an entry in ClinVar:

NM_014727.3(KMT2B):c.316G>A (p.Gly106Ser)

Gene: KMT2B (lysine methyltransferase 2B; plus strand). Cytogenetic location: 19q13.12.
Variant type: single nucleotide variant.
Coding change: c.316G>A on transcript NM_014727.3 (MANE Select); coding-DNA position 316, G replaced by A.
Protein change: p.Gly106Ser; replaces glycine 106 with serine.
Molecular consequence: missense variant.
Genome position (GRCh38, 1-based): chr19:35,718,334, G>A. VCF-style: chr19-35718334-G-A. GRCh37 (hg19) VCF-style: chr19-36209236-G-A.
Other names: short protein forms G106S.
Identifiers: ClinVar variation 1879430 (VCV001879430.32), dbSNP rs2513307320, ClinGen allele CA405375619.

ClinVar aggregate classification (germline): Uncertain significance. Review status: criteria provided, multiple submitters, no conflicts (2 of 4 stars). 2 submissions from 2 submitters: Uncertain significance (2). Last evaluated 2023-03-01.

Allele frequency attached by ClinVar (database versions not stated): gnomAD exomes 0.00001.
gnomAD v4.1: 14 of 1,257,058 alleles (0.0011%); highest among the groups gnomAD compares: Non-Finnish European, 0.0012%; no homozygotes.

Submissions (2):

Labcorp Genetics (formerly Invitae), Labcorp
Classification: Uncertain significance. Last evaluated: 2023-03-01. Review status: criteria provided, single submitter. Criteria: Invitae Variant Classification Sherloc (09022015). Collection method: clinical testing. Allele origin: germline.
Comment: In summary, the available evidence is currently insufficient to determine the role of this variant in disease. Therefore, it has been classified as a Variant of Uncertain Significance. This sequence change replaces glycine, which is neutral and non-polar, with serine, which is neutral and polar, at codon 106 of the KMT2B protein (p.Gly106Ser). This variant is not present in population databases (gnomAD no frequency). This variant has not been reported in the literature in individuals affected with KMT2B-related conditions. ClinVar contains an entry for this variant (Variation ID: 1879430). Algorithms developed to predict the effect of missense changes on protein structure and function output the following: SIFT: "Not Available"; PolyPhen-2: "Not Available"; Align-GVGD: "Not Available". The serine amino acid residue is found in multiple mammalian species, which suggests that this missense change does not adversely affect protein function.

CeGaT Center for Human Genetics Tuebingen
Classification: Uncertain significance. Last evaluated: 2022-11-01. Review status: criteria provided, single submitter. Criteria: CeGaT Center For Human Genetics Tuebingen Variant Classification Criteria Version 2. Collection method: clinical testing. Allele origin: germline. Affected: yes. Observed: 1 variant allele.
Comment: KMT2B: PM2